The following is an entry in ClinVar:

ClinVar aggregate classification (germline): Uncertain significance (1 of 4 stars; one submission).

Conditions:
Immunodeficiency 132A. Also called: Herpes simplex encephalitis, susceptibility to, 3. Identifiers: Orphanet 1930, MedGen C3553868, MONDO:0013920, OMIM 614849.

Allele frequency attached by ClinVar (database versions not stated): ExAC 0.00002.
gnomAD v4.1: 56 of 1,614,174 alleles (0.0035%); highest among the groups gnomAD compares: Non-Finnish European, 0.0045%; no homozygotes.

Submission:

Labcorp Genetics (formerly Invitae), Labcorp
Classification: Uncertain significance for Immunodeficiency 132A. Last evaluated: 2023-02-25. Review status: criteria provided, single submitter. Criteria: Invitae Variant Classification Sherloc (09022015). Collection method: clinical testing. Allele origin: germline.
Comment: In summary, the available evidence is currently insufficient to determine the role of this variant in disease. Therefore, it has been classified as a Variant of Uncertain Significance. An algorithm developed to predict the effect of missense changes on protein structure and function (PolyPhen-2) suggests that this variant is likely to be tolerated. This variant has not been reported in the literature in individuals affected with TRAF3-related conditions. This variant is present in population databases (rs745517643, gnomAD 0.007%). This sequence change replaces proline, which is neutral and non-polar, with leucine, which is neutral and non-polar, at codon 17 of the TRAF3 protein (p.Pro17Leu).

NM_145725.3(TRAF3):c.50C>T (p.Pro17Leu)

Gene: TRAF3 (TNF receptor associated factor 3; plus strand). Cytogenetic location: 14q32.32.
Variant type: single nucleotide variant.
Coding change: c.50C>T on transcript NM_145725.3 (MANE Select); coding-DNA position 50, C replaced by T.
Protein change: p.Pro17Leu; replaces proline 17 with leucine.
Molecular consequence: missense variant.
Genome position (GRCh38, 1-based): chr14:102,870,251, C>T. VCF-style: chr14-102870251-C-T. GRCh37 (hg19) VCF-style: chr14-103336588-C-T.
Other names: c.50C>T, p.Pro17Leu (NM_001199427.2, NM_001385142.1, NM_001385143.1 and 2 more transcripts); short protein forms P17L.
Identifiers: ClinVar variation 3013123 (VCV003013123.3), dbSNP rs745517643, ClinGen allele CA7359144.